The following is an entry in ClinVar:

NM_001010867.4(IBA57):c.246T>G (p.Ser82Arg)

Gene: IBA57 (iron-sulfur cluster assembly factor IBA57; plus strand). Cytogenetic location: 1q42.13.
Variant type: single nucleotide variant.
Coding change: c.246T>G on transcript NM_001010867.4 (MANE Select); coding-DNA position 246, T replaced by G.
Protein change: p.Ser82Arg; replaces serine 82 with arginine.
Molecular consequence: missense variant.
Genome position (GRCh38, 1-based): chr1:228,166,062, T>G. VCF-style: chr1-228166062-T-G. GRCh37 (hg19) VCF-style: chr1-228353763-T-G.
Other names: short protein forms S82R.
Identifiers: ClinVar variation 4791954 (VCV004791954.1).
Genomic context (GRCh38, chr1:228,166,062, plus strand): 5'-TGGCCCCGACGCGGCGCCCTTCCTGCTAGGGCTGCTGACCAATGAACTGCCGCTTCCGAG[T>G]CCTGCGGCCGCGGGGGCCCCGCCTGCTGCGCGCGCGGGCTACGCCCACTTCCTGAACGTG-3'
Protein context (NP_001010867.1, residues 72-92): GLLTNELPLP[Ser82Arg]PAAAGAPPAA

ClinVar aggregate classification (germline): Uncertain significance (1 of 4 stars; one submission).

Conditions:
Hereditary spastic paraplegia 74. Also called: Spastic paraplegia 74, autosomal recessive. Identifiers: Orphanet 468661, MedGen C5568837, MONDO:0014644, OMIM 616451.
Multiple mitochondrial dysfunctions syndrome 3 (MMDS3). Identifiers: Orphanet 363424, MedGen C3809165, MONDO:0014132, OMIM 615330.

gnomAD v4.1: 54 of 1,537,596 alleles (0.0035%); highest among the groups gnomAD compares: Non-Finnish European, 0.0046%; no homozygotes.

Submission:

Labcorp Genetics (formerly Invitae), Labcorp
Classification: Uncertain significance for Multiple mitochondrial dysfunctions syndrome 3; Hereditary spastic paraplegia 74. Last evaluated: 2025-11-10. Review status: criteria provided, single submitter. Criteria: Invitae Variant Classification Sherloc (09022015). Collection method: clinical testing. Allele origin: germline.
Comment: This sequence change replaces serine, which is neutral and polar, with arginine, which is basic and polar, at codon 82 of the IBA57 protein (p.Ser82Arg). This variant is present in population databases (rs769910848, gnomAD 0.01%). This variant has not been reported in the literature in individuals affected with IBA57-related conditions. Invitae Evidence Modeling of protein sequence and biophysical properties (such as structural, functional, and spatial information, amino acid conservation, physicochemical variation, residue mobility, and thermodynamic stability) indicates that this missense variant is not expected to disrupt IBA57 protein function with a negative predictive value of 80%. In summary, the available evidence is currently insufficient to determine the role of this variant in disease. Therefore, it has been classified as a Variant of Uncertain Significance.